The following is an entry in ClinVar:

ClinVar aggregate classification (germline): Uncertain significance (1 of 4 stars; one submission).

gnomAD v4.1: 2 of 1,608,398 alleles (0.00012%); highest among the groups gnomAD compares: Non-Finnish European, 0.00017%; no homozygotes.

Submission:

GeneDx
Classification: Uncertain significance. Last evaluated: 2025-05-13. Review status: criteria provided, single submitter. Criteria: GeneDx Variant Classification Process June 2021. Collection method: clinical testing. Allele origin: germline. Affected: yes.
Comment: Not observed at significant frequency in large population cohorts (gnomAD); In silico analysis supports that this missense variant has a deleterious effect on protein structure/function; Has not been previously published as pathogenic or benign to our knowledge; Not located in one of the three hot-spot regions of the RYR2 gene, where the majority of pathogenic missense variants occur (PMID: 19926015); This variant is associated with the following publications: (PMID: 19926015)

NM_001035.3(RYR2):c.10871A>G (p.Tyr3624Cys)

Gene: RYR2 (ryanodine receptor 2; plus strand). Cytogenetic location: 1q43.
Variant type: single nucleotide variant.
Coding change: c.10871A>G on transcript NM_001035.3 (MANE Select); coding-DNA position 10871, A replaced by G.
Protein change: p.Tyr3624Cys; replaces tyrosine 3624 with cysteine.
Molecular consequence: missense variant.
Genome position (GRCh38, 1-based): chr1:237,730,292, A>G. VCF-style: chr1-237730292-A-G. GRCh37 (hg19) VCF-style: chr1-237893592-A-G.
Other names: short protein forms Y3624C.
Identifiers: ClinVar variation 4529863 (VCV004529863.1).